The following is an entry in ClinVar:

ClinVar aggregate classification (germline): Uncertain significance. Review status: criteria provided, multiple submitters, no conflicts (2 of 4 stars). 8 submissions from 8 submitters: Uncertain significance (5). 3 of the submissions do not count toward it. Last evaluated 2026-08-17.

Conditions:
Cardiovascular phenotype. Identifiers: MedGen CN230736.
Cholestanol storage disease (CTX). Also called: CEREBRAL CHOLESTERINOSIS; Cerebrotendinous Xanthomatosis; CTX: Cerebrotendinous xanthomatosis. Identifiers: Orphanet 909, MedGen C0238052, MONDO:0008948, OMIM 213700.
CYP27A1-related disorder. Also called: CYP27A1-related condition.

Submissions (8):

PreventionGenetics, part of Exact Sciences
Classification: Uncertain significance for CYP27A1-related condition. Last evaluated: 2026-08-17. Review status: criteria provided, single submitter. Criteria: ACMG Guidelines, 2015. Collection method: clinical testing. Allele origin: germline.
Comment: The CYP27A1 c.175_177delGAG variant is predicted to result in an in-frame deletion (p.Glu59del). To our knowledge, this variant has not been reported in the literature. This variant is reported in 0.12% of alleles in individuals of East Asian descent in gnomAD. Although we suspect that this variant may be benign, at this time, the clinical significance of this variant is uncertain due to the absence of conclusive functional and genetic evidence.

Ambry Genetics
Classification: Uncertain significance for Cardiovascular phenotype. Last evaluated: 2025-06-05. Review status: criteria provided, single submitter. Criteria: Ambry Variant Classification Scheme 2023. Collection method: clinical testing. Allele origin: germline.
Comment: The c.175_177delGAG (p.E59del) alteration is located in exon 1 (coding exon 1) of the CYP27A1 gene. This alteration consists of an in-frame deletion of 3 nucleotides between nucleotide positions c.175 and c.177, resulting in the deletion of 1 residue. Based on insufficient or conflicting evidence, the clinical significance of this alteration remains unclear.

GeneDx
Classification: Uncertain significance. Last evaluated: 2023-10-06. Review status: criteria provided, single submitter. Criteria: GeneDx Variant Classification Process June 2021. Collection method: clinical testing. Allele origin: germline. Affected: yes.
Comment: In-frame deletion of 1 amino acid in a non-repeat region; In silico analysis supports a deleterious effect on protein structure/function; Has not been previously published as pathogenic or benign to our knowledge

Labcorp Genetics (formerly Invitae), Labcorp
Classification: Uncertain significance for Cholestanol storage disease. Last evaluated: 2022-07-19. Review status: criteria provided, single submitter. Criteria: Invitae Variant Classification Sherloc (09022015). Collection method: clinical testing. Allele origin: germline.
Comment: This variant, c.175_177del, results in the deletion of 1 amino acid(s) of the CYP27A1 protein (p.Glu59del), but otherwise preserves the integrity of the reading frame. This variant is present in population databases (rs766316288, gnomAD 0.1%). This variant has not been reported in the literature in individuals affected with CYP27A1-related conditions. ClinVar contains an entry for this variant (Variation ID: 550694). Experimental studies and prediction algorithms are not available or were not evaluated, and the functional significance of this variant is currently unknown. In summary, the available evidence is currently insufficient to determine the role of this variant in disease. Therefore, it has been classified as a Variant of Uncertain Significance.

Juno Genomics, Hangzhou Juno Genomics, Inc
Classification: Uncertain significance for Cholestanol storage disease. Review status: criteria provided, single submitter. Criteria: ACMG Guidelines, 2015. Collection method: clinical testing. Allele origin: germline.
Comment: Absent from controls (or at extremely low frequency if recessive) in Genome Aggregation Database.;Protein length changes due to in-frame deletions/insertions in a non-repeat region or stop-loss variants.

Natera, Inc.
Classification: Uncertain significance for Cerebrotendinous xanthomatosis. Last evaluated: 2020-01-17. Review status: no assertion criteria provided. Collection method: clinical testing. Allele origin: germline. Not counted in ClinVar's aggregate classification.

SingHealth Duke-NUS Institute of Precision Medicine
Classification: Uncertain significance for Cholestanol storage disease. Last evaluated: 2017-06-07. Review status: no assertion criteria provided. Collection method: curation. Allele origin: germline. Affected: no. Not counted in ClinVar's aggregate classification.

Counsyl
Classification: Uncertain significance for Cholestanol storage disease. Last evaluated: 2017-02-08. Review status: no assertion criteria provided. Collection method: clinical testing. Allele origin: unknown. Not counted in ClinVar's aggregate classification.

NM_000784.4(CYP27A1):c.172GAG[1] (p.Glu59del)

Gene: CYP27A1 (cytochrome P450 family 27 subfamily A member 1; plus strand). Cytogenetic location: 2q35.
Variant type: Microsatellite.
Coding change: c.172GAG[1] on transcript NM_000784.4 (MANE Select); one copy of the 3-base unit GAG starting at c.172; the reference has two copies in a row; one copy, 3 bases deleted; also written c.175_177del.
Protein change: p.Glu59del; deletes glutamic acid 59.
Molecular consequence: inframe deletion.
Genome position (GRCh38, 1-based): chr2:218,782,357-218,782,359, GAG deleted; deleting any 3 consecutive bases within chr2:218,782,354-218,782,359 gives the same sequence; the position shown is the placement nearest the transcript's 3' end. VCF-style (leftmost placement, unchanged base first): chr2-218782353-AGAG-A. GRCh37 (hg19) VCF-style: chr2-219647076-AGAG-A.
Other names: c.175_177del (NM_000784.4); short protein forms E59del.
Identifiers: ClinVar variation 550694 (VCV000550694.13), dbSNP rs766316288, ClinGen allele CA2112528.